The following is an entry in ClinVar:

NM_004380.3(CREBBP):c.2118A>G (p.Gly706=)

Gene: CREBBP (CREB binding lysine acetyltransferase; minus strand). Cytogenetic location: 16p13.3.
Variant type: single nucleotide variant.
Coding change: c.2118A>G on transcript NM_004380.3 (MANE Select); coding-DNA position 2118, A replaced by G.
Protein change: p.Gly706=; no amino-acid change (glycine 706 retained).
Molecular consequence: synonymous variant.
Genome position (GRCh38, 1-based): chr16:3,777,653, T>C on the plus strand (A>G on the coding strand, the complement: CREBBP is on the minus strand). VCF-style: chr16-3777653-T-C. GRCh37 (hg19) VCF-style: chr16-3827654-T-C.
Other names: c.2004A>G, p.Gly668= (NM_001079846.1).
Identifiers: ClinVar variation 589290 (VCV000589290.18), dbSNP rs778065124, ClinGen allele CA7870254.

ClinVar aggregate classification (germline): Likely benign. Review status: criteria provided, multiple submitters, no conflicts (2 of 4 stars). 6 submissions from 6 submitters: Likely benign (5). 1 of the submissions does not count toward it. Last evaluated 2026-04-01.

Conditions:
Rubinstein-Taybi syndrome due to CREBBP mutations (RSTS1). Also called: Rubinstein-Taybi syndrome 1; RUBINSTEIN SYNDROME; BROAD THUMBS AND GREAT TOES, CHARACTERISTIC FACIES, AND IMPAIRED INTELLECTUAL DEVELOPMENT; RUBINSTEIN-TAYBI SYNDROME 1, INCOMPLETE; BROAD THUMB-HALLUX SYNDROME; CREBBP-Related Rubinstein-Taybi Syndrome. Identifiers: Orphanet 353277, Orphanet 783, MedGen C4551859, MONDO:0008393, OMIM 180849.
Menke-Hennekam syndrome 1 (MKHK1). Identifiers: MedGen C5193034, MONDO:0020763, OMIM 618332.
CREBBP-related disorder. Also called: CREBBP-related disorders; CREBBP-related condition.
Rubinstein-Taybi syndrome (RSTS). Identifiers: Orphanet 783, MedGen C0035934, MONDO:0019188.
Inborn genetic diseases. Identifiers: MedGen C0950123, MeSH D030342.

Allele frequency attached by ClinVar (database versions not stated): gnomAD exomes 0.00004 and 0.00001; gnomAD 0.00009; TOPMed 0.00012; ExAC 0.00003.
gnomAD v4.1: 28 of 1,613,836 alleles (0.0017%); highest among the groups gnomAD compares: African/African-American, 0.029%; no homozygotes.

Submissions (6):

CeGaT Center for Human Genetics Tuebingen
Classification: Likely benign. Last evaluated: 2026-04-01. Review status: criteria provided, single submitter. Criteria: CeGaT Center For Human Genetics Tuebingen Variant Classification Criteria Version 2. Collection method: clinical testing. Allele origin: germline. Affected: yes. Observed: 1 variant allele.
Comment: CREBBP: BP4, BP7

Labcorp Genetics (formerly Invitae), Labcorp
Classification: Likely benign for Rubinstein-Taybi syndrome. Last evaluated: 2025-09-10. Review status: criteria provided, single submitter. Criteria: Invitae Variant Classification Sherloc (09022015). Collection method: clinical testing. Allele origin: germline.

Fulgent Genetics
Classification: Likely benign for Rubinstein-Taybi syndrome due to CREBBP mutations; Menke-Hennekam syndrome 1. Last evaluated: 2022-01-18. Review status: criteria provided, single submitter. Criteria: ACMG Guidelines, 2015. Collection method: clinical testing. Allele origin: unknown.

Blueprint Genetics
Classification: Likely benign. Last evaluated: 2021-08-09. Review status: criteria provided, single submitter. Criteria: ACMG Guidelines, 2015. Collection method: clinical testing. Allele origin: germline.

Ambry Genetics
Classification: Likely benign for Inborn genetic diseases. Last evaluated: 2016-05-24. Review status: criteria provided, single submitter. Criteria: Ambry Variant Classification Scheme 2023. Collection method: clinical testing. Allele origin: germline.

PreventionGenetics, part of Exact Sciences
Classification: Likely benign for CREBBP-related condition. Last evaluated: 2022-04-11. Review status: no assertion criteria provided. Collection method: clinical testing. Allele origin: germline. Not counted in ClinVar's aggregate classification.
Comment: This variant is classified as likely benign based on ACMG/AMP sequence variant interpretation guidelines (Richards et al. 2015 PMID: 25741868, with internal and published modifications).